The following is an entry in ClinVar:

NM_148919.4(PSMB8):c.159C>A (p.Phe53Leu)

Gene: PSMB8 (proteasome 20S subunit beta 8; minus strand). Cytogenetic location: 6p21.32.
Variant type: single nucleotide variant.
Coding change: c.159C>A on transcript NM_148919.4 (MANE Select); coding-DNA position 159, C replaced by A.
Protein change: p.Phe53Leu; replaces phenylalanine 53 with leucine.
Molecular consequence: missense variant.
Genome position (GRCh38, 1-based): chr6:32,843,078, G>T on the plus strand (C>A on the coding strand, the complement: PSMB8 is on the minus strand). VCF-style: chr6-32843078-G-T. GRCh37 (hg19) VCF-style: chr6-32810855-G-T.
Other names: c.147C>A, p.Phe49Leu (NM_004159.5); short protein forms F53L, F49L.
Identifiers: ClinVar variation 3687538 (VCV003687538.2).

ClinVar aggregate classification (germline): Uncertain significance (1 of 4 stars; one submission).

Conditions:
Proteosome-associated autoinflammatory syndrome. Also called: Proteasome-associated autoinflammatory syndrome. Identifiers: Orphanet 324977, MedGen C1850568, MONDO:0009726.

Submission:

Labcorp Genetics (formerly Invitae), Labcorp
Classification: Uncertain significance for Proteosome-associated autoinflammatory syndrome. Last evaluated: 2024-04-16. Review status: criteria provided, single submitter. Criteria: Invitae Variant Classification Sherloc (09022015). Collection method: clinical testing. Allele origin: germline.
Comment: This sequence change replaces phenylalanine, which is neutral and non-polar, with leucine, which is neutral and non-polar, at codon 53 of the PSMB8 protein (p.Phe53Leu). This variant is not present in population databases (gnomAD no frequency). This variant has not been reported in the literature in individuals affected with PSMB8-related conditions. An algorithm developed to predict the effect of missense changes on protein structure and function (PolyPhen-2) suggests that this variant is likely to be tolerated. In summary, the available evidence is currently insufficient to determine the role of this variant in disease. Therefore, it has been classified as a Variant of Uncertain Significance.